The following is an entry in ClinVar:

ClinVar aggregate classification (germline): Uncertain significance (1 of 4 stars; one submission).

Conditions:
Tay-Sachs disease (TSD). Also called: HEXA DEFICIENCY; GM2 gangliosidosis, type 1; Hexosaminidase alpha-subunit deficiency (variant B); Sphingolipidosis, Tay-Sachs; HEXA Disorders; Hexosaminidase A Deficiency. Identifiers: Orphanet 845, MedGen C0039373, MONDO:0010100, OMIM 272800.

Allele frequency attached by ClinVar (database versions not stated): gnomAD exomes below 0.00001; ExAC 0.00001; gnomAD 0.00001.
gnomAD v4.1: 8 of 1,613,682 alleles (0.0005%); highest among the groups gnomAD compares: Non-Finnish European, 0.00068%; no homozygotes.

Submission:

Labcorp Genetics (formerly Invitae), Labcorp
Classification: Uncertain significance for Tay-Sachs disease. Last evaluated: 2024-12-02. Review status: criteria provided, single submitter. Criteria: Invitae Variant Classification Sherloc (09022015). Collection method: clinical testing. Allele origin: germline.
Comment: This sequence change replaces methionine, which is neutral and non-polar, with leucine, which is neutral and non-polar, at codon 301 of the HEXA protein (p.Met301Leu). This variant is present in population databases (rs758871181, gnomAD 0.0009%). This variant has not been reported in the literature in individuals affected with HEXA-related conditions. ClinVar contains an entry for this variant (Variation ID: 1437760). Invitae Evidence Modeling of protein sequence and biophysical properties (such as structural, functional, and spatial information, amino acid conservation, physicochemical variation, residue mobility, and thermodynamic stability) has been performed for this missense variant. However, the output from this modeling did not meet the statistical confidence thresholds required to predict the impact of this variant on HEXA protein function. In summary, the available evidence is currently insufficient to determine the role of this variant in disease. Therefore, it has been classified as a Variant of Uncertain Significance.

NM_000520.6(HEXA):c.901A>C (p.Met301Leu)

Gene: HEXA (hexosaminidase subunit alpha; minus strand). Cytogenetic location: 15q23.
Variant type: single nucleotide variant.
Coding change: c.901A>C on transcript NM_000520.6 (MANE Select); coding-DNA position 901, A replaced by C.
Protein change: p.Met301Leu; replaces methionine 301 with leucine.
Molecular consequence: missense variant. On other transcripts: non-coding transcript variant (1).
Genome position (GRCh38, 1-based): chr15:72,349,164, T>G on the plus strand (A>C on the coding strand, the complement: HEXA is on the minus strand). VCF-style: chr15-72349164-T-G. GRCh37 (hg19) VCF-style: chr15-72641505-T-G.
Other names: c.934A>C, p.Met312Leu (NM_001318825.2); short protein forms M312L, M301L.
Identifiers: ClinVar variation 1437760 (VCV001437760.4), dbSNP rs758871181, ClinGen allele CA7644869.
Genomic context (GRCh38, chr15:72,349,164, plus strand): 5'-CTCCAAGATGAAGATAAAAATCTGGGAAGACAGAGCTGACTTCTAAGAAGAATGTGCTCA[T>G]GAACTCATAGGTATTATTGAGACTGGGATTCACTGGTCCAAAGGTGCCAGAGGGCTCAGA-3'
Protein context (NP_000511.2, residues 291-311): NPSLNNTYEF[Met301Leu]STFFLEVSSV